The following is an entry in ClinVar:

ClinVar aggregate classification (germline): Benign (1 of 4 stars; one submission).

Allele frequency attached by ClinVar (database versions not stated): gnomAD 0.08849 and 0.09342; TOPMed 0.09434; 1000 Genomes Project 30x 0.10119; 1000 Genomes Project 0.10144.
gnomAD v4.1: 14,149 of 151,190 alleles (9.4%); highest among the groups gnomAD compares: South Asian, 20%; 843 homozygotes.

Submission:

GeneDx
Classification: Benign. Last evaluated: 2018-06-14. Review status: criteria provided, single submitter. Criteria: GeneDx Variant Classification (06012015). Collection method: clinical testing. Allele origin: germline. Affected: yes.
Comment: This variant is considered likely benign or benign based on one or more of the following criteria: it is a conservative change, it occurs at a poorly conserved position in the protein, it is predicted to be benign by multiple in silico algorithms, and/or has population frequency not consistent with disease.

NM_016955.4(SEPSECS):c.1026+224A>G

Gene: SEPSECS (Sep (O-phosphoserine) tRNA:Sec (selenocysteine) tRNA synthase; minus strand). Cytogenetic location: 4p15.2.
Variant type: single nucleotide variant.
Coding change: c.1026+224A>G on transcript NM_016955.4 (MANE Select); 224 bases into the intron after coding-DNA position 1026, A replaced by G.
Molecular consequence: intron variant.
Genome position (GRCh38, 1-based): chr4:25,144,550, T>C on the plus strand (A>G on the coding strand, the complement: SEPSECS is on the minus strand). VCF-style: chr4-25144550-T-C. GRCh37 (hg19) VCF-style: chr4-25146172-T-C.
Identifiers: ClinVar variation 671713 (VCV000671713.1), dbSNP rs73252525, ClinGen allele CA11719444.
Genomic context (GRCh38, chr4:25,144,550, plus strand): 5'-ATGAATTGAATTTTATTGAATAAGAGTCCCTAATGCAGGAGTTTCTAAAAAGTAAATAAA[T>C]AAAAGCAAAATCACCTAACCCAGATTCCTCGTAATATCTGGATAGACAGGCTGACAAAAA-3'